The following is an entry in ClinVar:

NM_212482.4(FN1):c.3190G>A (p.Val1064Ile)

Gene: FN1 (fibronectin 1; minus strand). Cytogenetic location: 2q35.
Variant type: single nucleotide variant.
Coding change: c.3190G>A on transcript NM_212482.4 (MANE Select); coding-DNA position 3190, G replaced by A.
Protein change: p.Val1064Ile; replaces valine 1064 with isoleucine.
Molecular consequence: missense variant.
Genome position (GRCh38, 1-based): chr2:215,404,452, C>T on the plus strand (G>A on the coding strand, the complement: FN1 is on the minus strand). VCF-style: chr2-215404452-C-T. GRCh37 (hg19) VCF-style: chr2-216269175-C-T.
Other names: c.3190G>A, p.Val1064Ile (NM_001306129.2, NM_001306130.2, NM_001306131.2 and 13 more transcripts); short protein forms V1064I.
Identifiers: ClinVar variation 1670543 (VCV001670543.33), dbSNP rs142401055, ClinGen allele CA2094775.

ClinVar aggregate classification (germline): Likely benign. Review status: criteria provided, multiple submitters, no conflicts (2 of 4 stars). 3 submissions from 3 submitters: Likely benign (3). Last evaluated 2026-01-22.

Allele frequency attached by ClinVar (database versions not stated): ExAC 0.00031; gnomAD exomes 0.00035; gnomAD 0.00044; TOPMed 0.00044; ESP Exome Variant Server 0.00077.
gnomAD v4.1: 1,213 of 1,613,910 alleles (0.075%); highest among the groups gnomAD compares: Non-Finnish European, 0.1%; 1 homozygote.

Submissions (3):

Labcorp Genetics (formerly Invitae), Labcorp
Classification: Likely benign. Last evaluated: 2026-01-22. Review status: criteria provided, single submitter. Criteria: Invitae Variant Classification Sherloc (09022015). Collection method: clinical testing. Allele origin: germline.

Blueprint Genetics
Classification: Likely benign. Last evaluated: 2024-09-02. Review status: criteria provided, single submitter. Criteria: ACMG Guidelines, 2015. Collection method: clinical testing. Allele origin: germline.

CeGaT Center for Human Genetics Tuebingen
Classification: Likely benign. Last evaluated: 2023-10-01. Review status: criteria provided, single submitter. Criteria: CeGaT Center For Human Genetics Tuebingen Variant Classification Criteria Version 2. Collection method: clinical testing. Allele origin: germline. Affected: yes. Observed: 1 variant allele.
Comment: FN1: BP4